The following is an entry in ClinVar:

ClinVar aggregate classification (germline): Uncertain significance (1 of 4 stars; one submission).

Conditions:
Neuromuscular disease caused by qualitative or quantitative defects of dysferlin. Also called: Dysferlinopathy; Qualitative or quantitative defects of dysferlin. Identifiers: Orphanet 207073, MedGen C2931687, MONDO:0016145.

Allele frequency attached by ClinVar (database versions not stated): gnomAD exomes below 0.00001; ExAC 0.00001; 1000 Genomes Project 30x 0.00016; 1000 Genomes Project 0.00020.
gnomAD v4.1: 3 of 1,613,880 alleles (0.00019%); highest among the groups gnomAD compares: South Asian, 0.0022%; no homozygotes.

Submission:

Labcorp Genetics (formerly Invitae), Labcorp
Classification: Uncertain significance for Neuromuscular disease caused by qualitative or quantitative defects of dysferlin. Last evaluated: 2022-10-13. Review status: criteria provided, single submitter. Criteria: Invitae Variant Classification Sherloc (09022015). Collection method: clinical testing. Allele origin: germline.
Comment: In summary, the available evidence is currently insufficient to determine the role of this variant in disease. Therefore, it has been classified as a Variant of Uncertain Significance. Advanced modeling of protein sequence and biophysical properties (such as structural, functional, and spatial information, amino acid conservation, physicochemical variation, residue mobility, and thermodynamic stability) has been performed at Invitae for this missense variant, however the output from this modeling did not meet the statistical confidence thresholds required to predict the impact of this variant on DYSF protein function. This variant has not been reported in the literature in individuals affected with DYSF-related conditions. This variant is present in population databases (rs538288819, gnomAD 0.003%). This sequence change replaces proline, which is neutral and non-polar, with serine, which is neutral and polar, at codon 1308 of the DYSF protein (p.Pro1308Ser).

NM_001130987.2(DYSF):c.3976C>T (p.Pro1326Ser)

Gene: DYSF (dysferlin; plus strand). Cytogenetic location: 2p13.2.
Variant type: single nucleotide variant.
Coding change: c.3976C>T on transcript NM_001130987.2 (MANE Select); coding-DNA position 3976, C replaced by T.
Protein change: p.Pro1326Ser; replaces proline 1326 with serine.
Molecular consequence: missense variant.
Genome position (GRCh38, 1-based): chr2:71,611,263, C>T. VCF-style: chr2-71611263-C-T. GRCh37 (hg19) VCF-style: chr2-71838393-C-T.
Other names: c.3925C>T, p.Pro1309Ser (NM_001130455.2, NM_001130983.2); c.3880C>T, p.Pro1294Ser (NM_001130976.2, NM_001130977.2); c.3922C>T, p.Pro1308Ser (NM_001130978.2, NM_003494.4); c.4015C>T, p.Pro1339Ser (NM_001130979.2); c.3973C>T, p.Pro1325Ser (NM_001130980.2, NM_001130981.2); c.4018C>T, p.Pro1340Ser (NM_001130982.2); c.3883C>T, p.Pro1295Ser (NM_001130984.2, NM_001130986.2); c.3976C>T, p.Pro1326Ser (NM_001130985.2); short protein forms P1308S, P1339S, P1340S, P1294S, P1325S, P1295S, P1326S, P1309S.
Identifiers: ClinVar variation 2146578 (VCV002146578.4), dbSNP rs538288819, ClinGen allele CA1706832.
Genomic context (GRCh38, chr2:71,611,263, plus strand): 5'-TCCTTCCACCTTTGTCTCCATTCTACCTGCTGTCCACTGCAGTCTGAGGACACAGACCTG[C>T]CCTACCCACCACCCCAGAGGGAGGCCAACATCTACATGGTTCCTCAGAACATCAAGCCAG-3'
Protein context (NP_001124459.1, residues 1316-1336): ILDESEDTDL[Pro1326Ser]YPPPQREANI